The following is an entry in ClinVar:

NM_000276.4(OCRL):c.1522G>A (p.Val508Ile)

Gene: OCRL (OCRL inositol polyphosphate-5-phosphatase; plus strand). Cytogenetic location: Xq26.1.
Variant type: single nucleotide variant.
Coding change: c.1522G>A on transcript NM_000276.4 (MANE Select); coding-DNA position 1522, G replaced by A.
Protein change: p.Val508Ile; replaces valine 508 with isoleucine.
Molecular consequence: missense variant.
Genome position (GRCh38, 1-based): chrX:129,569,319, G>A. VCF-style: chrX-129569319-G-A. GRCh37 (hg19) VCF-style: chrX-128703296-G-A.
Other names: c.1525G>A, p.Val509Ile (NM_001318784.2); c.1522G>A, p.Val508Ile (NM_001587.4); short protein forms V509I, V508I.
Identifiers: ClinVar variation 1896669 (VCV001896669.19), dbSNP rs1358069294, ClinGen allele CA414616414.

ClinVar aggregate classification (germline): Conflicting classifications of pathogenicity. Review status: criteria provided, conflicting classifications (1 of 4 stars). 3 submissions from 3 submitters: Uncertain significance (2); Likely benign (1). Last evaluated 2025-12-30.

Conditions:
Lowe syndrome (OCRL). Also called: LOWE OCULOCEREBRORENAL SYNDROME; PHOSPHATIDYLINOSITOL 4,5-BISPHOSPHATE 5-PHOSPHATASE DEFICIENCY; Oculocerebrorenal Syndrome. Identifiers: Orphanet 534, MedGen C0028860, MONDO:0010645, OMIM 309000.

Allele frequency attached by ClinVar (database versions not stated): gnomAD 0.00001; TOPMed 0.00001; gnomAD exomes 0.00002.
gnomAD v4.1: 24 of 1,209,645 alleles (0.002%); highest among the groups gnomAD compares: Non-Finnish European, 0.0025%; no homozygotes.

Submissions (3):

Labcorp Genetics (formerly Invitae), Labcorp
Classification: Uncertain significance for Lowe syndrome. Last evaluated: 2025-12-30. Review status: criteria provided, single submitter. Criteria: Invitae Variant Classification Sherloc (09022015). Collection method: clinical testing. Allele origin: germline.
Comment: This sequence change replaces valine, which is neutral and non-polar, with isoleucine, which is neutral and non-polar, at codon 508 of the OCRL protein (p.Val508Ile). This variant is not present in population databases (gnomAD no frequency). This variant has not been reported in the literature in individuals affected with OCRL-related conditions. ClinVar contains an entry for this variant (Variation ID: 1896669). Invitae Evidence Modeling of protein sequence and biophysical properties (such as structural, functional, and spatial information, amino acid conservation, physicochemical variation, residue mobility, and thermodynamic stability) indicates that this missense variant is not expected to disrupt OCRL protein function with a negative predictive value of 80%. In summary, the available evidence is currently insufficient to determine the role of this variant in disease. Therefore, it has been classified as a Variant of Uncertain Significance.

CeGaT Center for Human Genetics Tuebingen
Classification: Likely benign. Last evaluated: 2024-10-01. Review status: criteria provided, single submitter. Criteria: CeGaT Center For Human Genetics Tuebingen Variant Classification Criteria Version 2. Collection method: clinical testing. Allele origin: germline. Affected: yes. Observed: 1 variant allele.
Comment: OCRL: PM5, PP2, BS2

Blueprint Genetics
Classification: Uncertain significance. Last evaluated: 2023-05-24. Review status: criteria provided, single submitter. Criteria: ACMG Guidelines, 2015. Collection method: clinical testing. Allele origin: germline.